The following is an entry in ClinVar:

NM_001042492.3(NF1):c.433C>G (p.Leu145Val)

Gene: NF1 (neurofibromin 1; plus strand). Cytogenetic location: 17q11.2.
Variant type: single nucleotide variant.
Coding change: c.433C>G on transcript NM_001042492.3 (MANE Select); coding-DNA position 433, C replaced by G.
Protein change: p.Leu145Val; replaces leucine 145 with valine.
Molecular consequence: missense variant.
Genome position (GRCh38, 1-based): chr17:31,163,330, C>G. VCF-style: chr17-31163330-C-G. GRCh37 (hg19) VCF-style: chr17-29490348-C-G.
Other names: c.433C>G, p.Leu145Val (NM_000267.4, NM_001128147.3); short protein forms L145V.
Identifiers: ClinVar variation 187087 (VCV000187087.14), dbSNP rs786203460, ClinGen allele CA196702.

ClinVar aggregate classification (germline): Uncertain significance. Review status: criteria provided, multiple submitters, no conflicts (2 of 4 stars). 5 submissions from 4 submitters: Uncertain significance (5). Last evaluated 2025-05-17.

Conditions:
Hereditary cancer-predisposing syndrome. Also called: Neoplastic Syndromes, Hereditary; Hereditary neoplastic syndrome; Tumor predisposition; Hereditary Cancer Syndrome. Identifiers: Orphanet 140162, MedGen C0027672, MeSH D009386, MONDO:0015356.
Cardiovascular phenotype. Identifiers: MedGen CN230736.
Neurofibromatosis, type 1 (NF1). Also called: VON RECKLINGHAUSEN DISEASE; NEUROFIBROMATOSIS, TYPE I, SOMATIC; Peripheral type neurofibromatosis; Neurofibromatosis, type I. Identifiers: Orphanet 636, MedGen C0027831, MONDO:0018975, OMIM 162200. Disease mechanism: loss of function.

Submissions (5):

Dasa
Classification: Uncertain significance. Last evaluated: 2025-05-17. Review status: criteria provided, single submitter. Criteria: DASA Assertion Criteria. Collection method: clinical testing. Allele origin: germline.
Comment: NM_001042492.3(NF1):c.433C>G (p.Leu145Val) is a missense variant that results in the substitution of leucine with valine. The affected residue or protein region has prior evidence supporting clinical relevance. This variant is absent from population databases. The currently available literature and clinical evidence are not sufficient to establish a definitive association between this variant and the reported condition. Therefore, this variant is classified as a variant of uncertain significance.

Labcorp Genetics (formerly Invitae), Labcorp
Classification: Uncertain significance for Neurofibromatosis, type 1. Last evaluated: 2022-08-16. Review status: criteria provided, single submitter. Criteria: Invitae Variant Classification Sherloc (09022015). Collection method: clinical testing. Allele origin: germline.
Comment: This sequence change replaces leucine, which is neutral and non-polar, with valine, which is neutral and non-polar, at codon 145 of the NF1 protein (p.Leu145Val). In summary, the available evidence is currently insufficient to determine the role of this variant in disease. Therefore, it has been classified as a Variant of Uncertain Significance. Advanced modeling of protein sequence and biophysical properties (such as structural, functional, and spatial information, amino acid conservation, physicochemical variation, residue mobility, and thermodynamic stability) performed at Invitae indicates that this missense variant is expected to disrupt NF1 protein function. ClinVar contains an entry for this variant (Variation ID: 187087). This missense change has been observed in individual(s) with clinical features of NF1-related conditions (PMID: 21520333). This variant is not present in population databases (gnomAD no frequency).

Genome-Nilou Lab
Classification: Uncertain significance for Neurofibromatosis, type 1. Last evaluated: 2022-03-15. Review status: criteria provided, single submitter. Criteria: ACMG Guidelines, 2015. Collection method: clinical testing. Allele origin: germline. Affected: no.

Ambry Genetics
Classification: Uncertain significance for Cardiovascular phenotype; Hereditary cancer-predisposing syndrome. Last evaluated: 2021-10-26. Review status: criteria provided, single submitter. Criteria: Ambry Variant Classification Scheme 2023. Collection method: clinical testing. Allele origin: germline.

Ambry Genetics
Classification: Uncertain significance for Hereditary cancer-predisposing syndrome. Last evaluated: 2014-11-17. Review status: criteria provided, single submitter. Criteria: Ambry Autosomal Dominant and X-Linked criteria (10/2015). Collection method: clinical testing. Allele origin: germline. Observed: 1 variant allele.
Comment: Ã¢â‚¬â€¹<span style="background-color: initial;">The<strong style="background-color: initial;">p.L145V<span style="background-color: initial;"> variant (also known as c.433C>G), located in coding exon 4 of the<em style="background-color: initial;">NF1<span style="background-color: initial;"> gene, results from a C to G substitution at nucleotide position 433. The leucine at codon 145 is replaced by valine, an amino acid with highly similar properties. This variant was not reported in population based cohorts in the following databases: Database of Single Nucleotide Polymorphisms (dbSNP), NHLBI Exome Sequencing Project (ESP), and 1000 Genomes Project. In the ESP, this variant was not observed in 6503 samples (13006 alleles) with coverage at this position. To date, this alteration has been detected with an allele frequency of approximately 0.01% (greater than 11000 alleles tested) in our clinical cohort. This amino acid position is highly conserved in available vertebrate species. In addition, this alteration is predicted to be benign and tolerated by PolyPhen and SIFT<em style="background-color: initial;">in silico<span style="background-color: initial;"> analyses, respectively. Since supporting evidence is limited at this time, the clinical significance of p.L145V remains unclear.

Literature cited by the submitters: PubMed 21520333 (cited by Labcorp Genetics (formerly Invitae), Labcorp).